The following is an entry in ClinVar:

ClinVar aggregate classification (germline): Pathogenic/Likely pathogenic. Review status: criteria provided, multiple submitters, no conflicts (2 of 4 stars). 4 submissions from 4 submitters: Pathogenic (3); Likely pathogenic (1). Last evaluated 2025-05-26.

Conditions:
Koolen-de Vries syndrome (KDVS). Identifiers: Orphanet 96169, MedGen C1864871, MONDO:0012496, OMIM 610443.

Submissions (4):

3billion
Classification: Pathogenic for Koolen-de Vries syndrome. Last evaluated: 2025-05-26. Review status: criteria provided, single submitter. Criteria: ACMG Guidelines, 2015. Collection method: clinical testing. Allele origin: germline. Affected: yes.
Comment: The variant is not observed in the gnomAD v4.1.0 dataset. Predicted Consequence/Location: Frameshift: predicted to result in a loss or disruption of normal protein function through nonsense-mediated decay (NMD) or protein truncation. Multiple pathogenic variants are reported downstream of the variant. The variant has been reported at least twice as pathogenic with clinical assertions and evidence for the classification (ClinVar ID: VCV002412750 /PMID: 26424144 /3billion dataset). Therefore, this variant is classified as Pathogenic according to the recommendation of ACMG/AMP guideline.

Fulgent Genetics
Classification: Likely pathogenic for Koolen-de Vries syndrome. Last evaluated: 2024-06-19. Review status: criteria provided, single submitter. Criteria: ACMG Guidelines, 2015. Collection method: clinical testing. Allele origin: germline.

GeneDx
Classification: Pathogenic. Last evaluated: 2023-03-27. Review status: criteria provided, single submitter. Criteria: GeneDx Variant Classification Process June 2021. Collection method: clinical testing. Allele origin: germline. Affected: yes.
Comment: Frameshift variant predicted to result in protein truncation or nonsense mediated decay in a gene for which loss of function is a known mechanism of disease; Not observed at significant frequency in large population cohorts (gnomAD); This variant is associated with the following publications: (PMID: 32565546, 26424144)

Broad Center for Mendelian Genomics, Broad Institute of MIT and Harvard
Classification: Pathogenic for Koolen-de Vries syndrome. Last evaluated: 2023-01-25. Review status: criteria provided, single submitter. Criteria: ACMG Guidelines, 2015. Collection method: curation. Allele origin: germline. Inheritance: Autosomal dominant inheritance.
Comment: Trio exome analysis showed this variant to be de novo. This variant has been previously reported in one individual with Koolen de Vries syndrome, where it was found to be de novo (PMID: 26424144). This variant was absent from large population studies. This variant is predicted to cause a frameshift, which alters the protein‚Äôs amino acid sequence beginning at position 205 and leads to a premature termination codon 9 amino acids downstream. This alteration is then predicted to lead to a truncated or absent protein. Heterozygous loss of function of the KANSL1 gene is an established disease mechanism in Koolen de Vries syndrome. In summary, this variant meets criteria to be classified as pathogenic for Koolen de Vries syndrome. ACMG/AMP Criteria applied: PVS1, PS2_Moderate, PM2_Supporting (Richards 2015).

Literature cited by the submitters: PubMed 26424144 (cited by 3billion).

NM_015443.4(KANSL1):c.611dup (p.Met205fs)

Gene: KANSL1 (KAT8 regulatory NSL complex subunit 1). Cytogenetic location: 17q21.31.
Variant type: Duplication.
Coding change: c.611dup on transcript NM_015443.4 (MANE Select); coding-DNA position 611, one base duplicated.
Protein change: p.Met205fs; shifts the reading frame from methionine 205.
Molecular consequence: frameshift variant.
Genome position: GRCh38 VCF-style: chr17-46171532-A-AC. GRCh37 (hg19) VCF-style: chr17-44248898-A-AC.
Other names: NM_001379198.1:c.611dup; c.611dup (NM_001193466.1); c.611dup, p.Met205fs (NM_001193465.2, NM_001193466.2, NM_001379198.1); c.606dup, p.Met205Tyrfs (NM_001405854.1, NM_001405855.1, NM_001405856.1 and 15 more transcripts); c.611dupG (NM_001193466.1); short protein forms M205fs.
Identifiers: ClinVar variation 2412750 (VCV002412750.6), dbSNP rs1304078301, ClinGen allele CA2573332484.